The following is an entry in ClinVar:

NM_001009944.3(PKD1):c.12139-13_12146del

Gene: PKD1 (polycystin 1, transient receptor potential channel interacting; minus strand). Cytogenetic location: 16p13.3.
Variant type: Deletion.
Coding change: c.12139-13_12146del on transcript NM_001009944.3 (MANE Select); 13 bases into the intron before coding-DNA position 12139 through coding-DNA position 12146, 21 bases deleted (GCCTTCCCCGCAGCTCGTGTC).
Molecular consequence: splice acceptor variant.
Genome position (GRCh38, 1-based): chr16:2,090,583-2,090,603, GACACGAGCTGCGGGGAAGGC deleted on the plus strand (GCCTTCCCCGCAGCTCGTGTC on the coding strand, the reverse complement: PKD1 is on the minus strand); deleting any 21 consecutive bases within chr16:2,090,583-2,090,608 gives the same sequence; the c. name uses the placement nearest the transcript's 3' end. VCF-style (leftmost placement, unchanged base first): chr16-2090582-AGACACGAGCTGCGGGGAAGGC-A. GRCh37 (hg19) VCF-style: chr16-2140583-AGACACGAGCTGCGGGGAAGGC-A.
Other names: c.12136-13_12143del (NM_000296.4).
Identifiers: ClinVar variation 4531240 (VCV004531240.1).

ClinVar aggregate classification (germline): Uncertain significance (1 of 4 stars; one submission).

Conditions:
Polycystic kidney disease, adult type (PKD1). Also called: Polycystic Kidney, Autosomal Dominant; POLYCYSTIC KIDNEY DISEASE, ADULT, TYPE I; Polycystic Kidney Disease 1, Autosomal Dominant; Polycystic kidney disease 1; Polycystic kidney disease 1, severe; POLYCYSTIC KIDNEY DISEASE 1 WITH OR WITHOUT POLYCYSTIC LIVER DISEASE. Identifiers: MedGen C3149841, MONDO:0008263, OMIM 173900.

Submission:

Juno Genomics, Hangzhou Juno Genomics, Inc
Classification: Uncertain significance for Polycystic kidney disease, adult type. Review status: criteria provided, single submitter. Criteria: ACMG Guidelines, 2015. Collection method: clinical testing. Allele origin: germline. Affected: yes.
Comment: Absent from controls (or at extremely low frequency if recessive) in Genome Aggregation Database, Exome Sequencing Project, 1000 Genomes Project, or Exome Aggregation Consortium.;Null variant in a gene where loss of function (LOF) is a known mechanism of disease.;Patient's phenotype or family history is highly specific for a disease with a single genetic etiology.